The following is an entry in ClinVar:

NM_004990.4(MARS1):c.1385A>G (p.Glu462Gly)

Gene: MARS1 (methionyl-tRNA synthetase 1; plus strand). Cytogenetic location: 12q13.3.
Variant type: single nucleotide variant.
Coding change: c.1385A>G on transcript NM_004990.4 (MANE Select); coding-DNA position 1385, A replaced by G.
Protein change: p.Glu462Gly; replaces glutamic acid 462 with glycine.
Molecular consequence: missense variant.
Genome position (GRCh38, 1-based): chr12:57,511,714, A>G. VCF-style: chr12-57511714-A-G. GRCh37 (hg19) VCF-style: chr12-57905497-A-G.
Other names: short protein forms E462G.
Identifiers: ClinVar variation 572234 (VCV000572234.8), dbSNP rs1408685568, ClinGen allele CA385460966.

ClinVar aggregate classification (germline): Uncertain significance (1 of 4 stars; one submission).

Conditions:
Charcot-Marie-Tooth disease axonal type 2U. Also called: CHARCOT-MARIE-TOOTH NEUROPATHY, TYPE 2U; CHARCOT-MARIE-TOOTH DISEASE, AXONAL, AUTOSOMAL DOMINANT, TYPE 2U. Identifiers: Orphanet 397735, MedGen C4084821, MONDO:0014566, OMIM 616280.
Severe early-onset pulmonary alveolar proteinosis due to MARS deficiency. Also called: PULMONARY ALVEOLAR PROTEINOSIS, REUNION ISLAND; Interstitial lung and liver disease. Identifiers: Orphanet 440427, MedGen C4225400, MONDO:0014206, OMIM 615486.

Allele frequency attached by ClinVar (database versions not stated): gnomAD exomes below 0.00001; gnomAD 0.00001; TOPMed 0.00002.

Submission:

Labcorp Genetics (formerly Invitae), Labcorp
Classification: Uncertain significance for Charcot-Marie-Tooth disease axonal type 2U; Severe early-onset pulmonary alveolar proteinosis due to MARS deficiency. Last evaluated: 2025-08-14. Review status: criteria provided, single submitter. Criteria: Invitae Variant Classification Sherloc (09022015). Collection method: clinical testing. Allele origin: germline.
Comment: This sequence change replaces glutamic acid, which is acidic and polar, with glycine, which is neutral and non-polar, at codon 462 of the MARS protein (p.Glu462Gly). This variant is present in population databases (no rsID available, gnomAD 0.007%). This variant has not been reported in the literature in individuals affected with MARS-related conditions. ClinVar contains an entry for this variant (Variation ID: 572234). An algorithm developed to predict the effect of missense changes on protein structure and function (PolyPhen-2) suggests that this variant is likely to be tolerated. In summary, the available evidence is currently insufficient to determine the role of this variant in disease. Therefore, it has been classified as a Variant of Uncertain Significance.